The following is an entry in ClinVar:

ClinVar aggregate classification (germline): Conflicting classifications of pathogenicity. Review status: criteria provided, conflicting classifications (1 of 4 stars). 2 submissions from 2 submitters: Uncertain significance (1); Likely benign (1). Last evaluated 2023-03-23.

Conditions:
Hereditary cancer-predisposing syndrome. Also called: Neoplastic Syndromes, Hereditary; Tumor predisposition; Hereditary Cancer Syndrome; Hereditary neoplastic syndrome. Identifiers: Orphanet 140162, MedGen C0027672, MeSH D009386, MONDO:0015356.

Submissions (2):

University of Washington Department of Laboratory Medicine, University of Washington
Classification: Likely benign for Hereditary cancer-predisposing syndrome. Last evaluated: 2023-03-23. Review status: criteria provided, single submitter. Criteria: Dines et al. (Genet Med. 2020). Collection method: curation. Allele origin: germline.
Comment: Missense variant in a coldspot region where missense variants are very unlikely to be pathogenic (PMID:31911673).

BRCA1 coldspot (exon 11 using historical exon numbering). Reclassification based on statistical prior probability

Ambry Genetics
Classification: Uncertain significance for Hereditary cancer-predisposing syndrome. Last evaluated: 2019-11-14. Review status: criteria provided, single submitter. Criteria: Ambry Variant Classification Scheme 2023. Collection method: clinical testing. Allele origin: germline.
Comment: The p.N635S variant (also known as c.1904A>G), located in coding exon 9 of the BRCA1 gene, results from an A to G substitution at nucleotide position 1904. The asparagine at codon 635 is replaced by serine, an amino acid with highly similar properties. This amino acid position is not well conserved in available vertebrate species. In addition, this alteration is predicted to be tolerated by in silico analysis. Since supporting evidence is limited at this time, the clinical significance of this alteration remains unclear.

NM_007294.4(BRCA1):c.1904A>G (p.Asn635Ser)

Gene: BRCA1 (BRCA1 DNA repair associated; minus strand). Cytogenetic location: 17q21.31.
Variant type: single nucleotide variant.
Coding change: c.1904A>G on transcript NM_007294.4 (MANE Select); coding-DNA position 1904, A replaced by G.
Protein change: p.Asn635Ser; replaces asparagine 635 with serine.
Molecular consequence: missense variant. On other transcripts: intron variant (137).
Genome position (GRCh38, 1-based): chr17:43,093,627, T>C on the plus strand (A>G on the coding strand, the complement: BRCA1 is on the minus strand). VCF-style: chr17-43093627-T-C. GRCh37 (hg19) VCF-style: chr17-41245644-T-C.
Other names: c.1763A>G, p.Asn588Ser (NM_001407724.1, NM_001407729.1, NM_001407730.1 and 29 more transcripts); c.454+1117A>G (NM_001408502.1); c.577+1117A>G (NM_001408489.1, NM_001408479.1, NM_001408481.1 and 9 more transcripts); c.661+1117A>G (NM_001408445.1, NM_001408432.1, NM_001408446.1 and 6 more transcripts); c.667+2219A>G (NM_001408431.1, NM_001408424.1, NM_001408421.1); c.1904A>G, p.Asn635Ser (NM_001407684.1, NM_001407854.1, NM_001407858.1 and 30 more transcripts); c.1778A>G, p.Asn593Ser (NM_001407685.1, NM_001407686.1, NM_001407687.1 and 11 more transcripts); c.1760A>G, p.Asn587Ser (NM_001407740.1, NM_001407741.1, NM_001407742.1 and 20 more transcripts); and 40 more; short protein forms N588S, N635S, N467S, N547S, N567S, N568S, N608S, N523S.
Identifiers: ClinVar variation 820278 (VCV000820278.7), dbSNP rs1597873443, ClinGen allele CA10598217.